The following is an entry in ClinVar:

ClinVar aggregate classification (germline): Uncertain significance (1 of 4 stars; one submission).

Allele frequency attached by ClinVar (database versions not stated): gnomAD exomes 0.00004; ExAC 0.00001; gnomAD 0.00001; TOPMed 0.00002.
gnomAD v4.1: 55 of 1,614,050 alleles (0.0034%); highest among the groups gnomAD compares: Non-Finnish European, 0.0047%; no homozygotes.

Submission:

Labcorp Genetics (formerly Invitae), Labcorp
Classification: Uncertain significance. Last evaluated: 2023-05-04. Review status: criteria provided, single submitter. Criteria: Invitae Variant Classification Sherloc (09022015). Collection method: clinical testing. Allele origin: germline.
Comment: In summary, the available evidence is currently insufficient to determine the role of this variant in disease. Therefore, it has been classified as a Variant of Uncertain Significance. Advanced modeling of protein sequence and biophysical properties (such as structural, functional, and spatial information, amino acid conservation, physicochemical variation, residue mobility, and thermodynamic stability) performed at Invitae indicates that this missense variant is not expected to disrupt PHF21A protein function. This variant has not been reported in the literature in individuals affected with PHF21A-related conditions. This variant is present in population databases (rs755494283, gnomAD 0.0009%). This sequence change replaces glutamine, which is neutral and polar, with histidine, which is basic and polar, at codon 165 of the PHF21A protein (p.Gln165His).

NM_001352027.3(PHF21A):c.495G>T (p.Gln165His)

Gene: PHF21A (PHD finger protein 21A; minus strand). Cytogenetic location: 11p11.2.
Variant type: single nucleotide variant.
Coding change: c.495G>T on transcript NM_001352027.3 (MANE Select); coding-DNA position 495, G replaced by T.
Protein change: p.Gln165His; replaces glutamine 165 with histidine.
Molecular consequence: missense variant. On other transcripts: non-coding transcript variant (2).
Genome position (GRCh38, 1-based): chr11:45,971,233, C>A on the plus strand (G>T on the coding strand, the complement: PHF21A is on the minus strand). VCF-style: chr11-45971233-C-A. GRCh37 (hg19) VCF-style: chr11-45992784-C-A.
Other names: c.495G>T, p.Gln165His (NM_016621.5, NM_001101802.3, NM_001352025.3 and 5 more transcripts); c.492G>T, p.Gln164His (NM_001352030.3); short protein forms Q165H, Q164H.
Identifiers: ClinVar variation 2742115 (VCV002742115.3), dbSNP rs755494283, ClinGen allele CA5961341.